The following is an entry in ClinVar:

ClinVar aggregate classification (germline): Conflicting classifications of pathogenicity. Review status: criteria provided, conflicting classifications (1 of 4 stars). 5 submissions from 5 submitters: Uncertain significance (4); Likely benign (1). Last evaluated 2025-12-29.

Conditions:
Inborn genetic diseases. Identifiers: MedGen C0950123, MeSH D030342.
Microcephaly 2, primary, autosomal recessive, with or without cortical malformations. Also called: WDR62 Primary Microcephaly; MICROCEPHALY 2, PRIMARY, AUTOSOMAL RECESSIVE, WITH CORTICAL MALFORMATIONS. Identifiers: Orphanet 2512, MedGen C1858535, MONDO:0011435, OMIM 604317.

Allele frequency attached by ClinVar (database versions not stated): gnomAD exomes 0.00006; ExAC 0.00032; gnomAD 0.00040; TOPMed 0.00042; ESP Exome Variant Server 0.00056; 1000 Genomes Project 0.00100; 1000 Genomes Project 30x 0.00109.
gnomAD v4.1: 97 of 1,551,992 alleles (0.0063%); highest among the groups gnomAD compares: African/African-American, 0.12%; no homozygotes.

Submissions (5):

GeneDx
Classification: Uncertain significance. Last evaluated: 2025-12-29. Review status: criteria provided, single submitter. Criteria: GeneDx Variant Classification Process June 2021. Collection method: clinical testing. Allele origin: germline. Affected: yes.
Comment: Has not been previously published as pathogenic or benign to our knowledge; In silico analysis suggests that this missense variant does not alter protein structure/function

Ambry Genetics
Classification: Uncertain significance for Inborn genetic diseases. Last evaluated: 2025-08-04. Review status: criteria provided, single submitter. Criteria: Ambry Variant Classification Scheme 2023. Collection method: clinical testing. Allele origin: germline.

Labcorp Genetics (formerly Invitae), Labcorp
Classification: Likely benign. Last evaluated: 2024-11-14. Review status: criteria provided, single submitter. Criteria: Invitae Variant Classification Sherloc (09022015). Collection method: clinical testing. Allele origin: germline.

Baylor Genetics
Classification: Uncertain significance for Microcephaly 2, primary, autosomal recessive, with or without cortical malformations. Last evaluated: 2018-01-25. Review status: criteria provided, single submitter. Criteria: ACMG Guidelines, 2015. Collection method: clinical testing. Allele origin: maternal. Affected: yes.
Comment: This variant was determined to be of uncertain significance according to ACMG Guidelines, 2015 [PMID:25741868].

Eurofins Ntd Llc (ga)
Classification: Uncertain significance. Last evaluated: 2017-11-28. Review status: criteria provided, single submitter. Criteria: EGL Classification Definitions 2015. Collection method: clinical testing. Allele origin: germline. Observed: 1 variant allele, 1 heterozygote.

NM_001083961.2(WDR62):c.3058G>A (p.Ala1020Thr)

Gene: WDR62 (WD repeat domain 62; plus strand). Cytogenetic location: 19q13.12.
Variant type: single nucleotide variant.
Coding change: c.3058G>A on transcript NM_001083961.2 (MANE Select); coding-DNA position 3058, G replaced by A.
Protein change: p.Ala1020Thr; replaces alanine 1020 with threonine.
Molecular consequence: missense variant.
Genome position (GRCh38, 1-based): chr19:36,101,750, G>A. VCF-style: chr19-36101750-G-A. GRCh37 (hg19) VCF-style: chr19-36592652-G-A.
Other names: c.3058G>A, p.Ala1020Thr (NM_173636.5); short protein forms A1020T.
Identifiers: ClinVar variation 595048 (VCV000595048.19), dbSNP rs144120866, ClinGen allele CA9396126.